The following is an entry in ClinVar:

NM_001365999.1(SZT2):c.9938C>T (p.Ala3313Val)

Genes: SZT2 (SZT2 subunit of KICSTOR complex; plus strand), SZT2-AS1 (SZT2 antisense RNA 1; minus strand). Cytogenetic location: 1p34.2.
Variant type: single nucleotide variant.
Coding change: c.9938C>T on transcript NM_001365999.1 (MANE Select); coding-DNA position 9938, C replaced by T.
Protein change: p.Ala3313Val; replaces alanine 3313 with valine.
Molecular consequence: missense variant. On other transcripts: non-coding transcript variant (1).
Genome position (GRCh38, 1-based): chr1:43,448,453, C>T. VCF-style: chr1-43448453-C-T. GRCh37 (hg19) VCF-style: chr1-43914124-C-T.
Other names: c.9767C>T, p.Ala3256Val (NM_015284.4); short protein forms A3256V, A3313V.
Identifiers: ClinVar variation 659302 (VCV000659302.11), dbSNP rs201695619, ClinGen allele CA811036.
Genomic context (GRCh38, chr1:43,448,453, plus strand): 5'-TGCGGCTAGGGGGGCGCCTGGCCCTGGCAGAGCTGGAGGAACTCCTAGAAGCAGTCCATG[C>T]CAAATCCATTGGGGACATCGACCCCCAGCTGGTAAGGAACTGTGGGCTCCCGAAAGAGCT-3'
Protein context (NP_001352928.1, residues 3303-3323): ELEELLEAVH[Ala3313Val]KSIGDIDPQL

ClinVar aggregate classification (germline): Uncertain significance. Review status: criteria provided, multiple submitters, no conflicts (2 of 4 stars). 4 submissions from 4 submitters: Uncertain significance (3). 1 of the submissions does not count toward it. Last evaluated 2023-04-11.

Conditions:
Developmental and epileptic encephalopathy, 18 (DEE18). Also called: Early infantile epileptic encephalopathy 18. Identifiers: Orphanet 369894, MedGen C3809624, MONDO:0014201, OMIM 615476.
SZT2-related disorder. Also called: SZT2-related condition.

Allele frequency attached by ClinVar (database versions not stated): gnomAD exomes 0.00003 and 0.00017; TOPMed 0.00004; gnomAD 0.00006 and 0.00010; ExAC 0.00015; 1000 Genomes Project 0.00120; 1000 Genomes Project 30x 0.00125.
gnomAD v4.1: 71 of 1,610,164 alleles (0.0044%); highest among the groups gnomAD compares: East Asian, 0.11%; 1 homozygote.

Submissions (4):

Genome-Nilou Lab
Classification: Uncertain significance for Developmental and epileptic encephalopathy, 18. Last evaluated: 2023-04-11. Review status: criteria provided, single submitter. Criteria: ACMG Guidelines, 2015. Collection method: clinical testing. Allele origin: germline. Affected: no.

Labcorp Genetics (formerly Invitae), Labcorp
Classification: Uncertain significance. Last evaluated: 2022-06-20. Review status: criteria provided, single submitter. Criteria: Invitae Variant Classification Sherloc (09022015). Collection method: clinical testing. Allele origin: germline.
Comment: This sequence change replaces alanine, which is neutral and non-polar, with valine, which is neutral and non-polar, at codon 3256 of the SZT2 protein (p.Ala3256Val). This variant is present in population databases (rs201695619, gnomAD 0.2%). This variant has not been reported in the literature in individuals affected with SZT2-related conditions. ClinVar contains an entry for this variant (Variation ID: 659302). Algorithms developed to predict the effect of missense changes on protein structure and function (SIFT, PolyPhen-2, Align-GVGD) all suggest that this variant is likely to be tolerated. In summary, the available evidence is currently insufficient to determine the role of this variant in disease. Therefore, it has been classified as a Variant of Uncertain Significance.

GeneDx
Classification: Uncertain significance. Last evaluated: 2022-06-03. Review status: criteria provided, single submitter. Criteria: GeneDx Variant Classification Process June 2021. Collection method: clinical testing. Allele origin: germline. Affected: yes.
Comment: In silico analysis supports that this missense variant does not alter protein structure/function; Has not been previously published as pathogenic or benign to our knowledge

PreventionGenetics, part of Exact Sciences
Classification: Likely benign for SZT2-related condition. Last evaluated: 2022-04-15. Review status: no assertion criteria provided. Collection method: clinical testing. Allele origin: germline. Not counted in ClinVar's aggregate classification.
Comment: This variant is classified as likely benign based on ACMG/AMP sequence variant interpretation guidelines (Richards et al. 2015 PMID: 25741868, with internal and published modifications).